The following is an entry in ClinVar:

NM_000548.5(TSC2):c.4218C>G (p.Asp1406Glu)

Gene: TSC2 (TSC complex subunit 2; plus strand). Cytogenetic location: 16p13.3.
Variant type: single nucleotide variant.
Coding change: c.4218C>G on transcript NM_000548.5 (MANE Select); coding-DNA position 4218, C replaced by G.
Protein change: p.Asp1406Glu; replaces aspartic acid 1406 with glutamic acid.
Molecular consequence: missense variant. On other transcripts: non-coding transcript variant (5).
Genome position (GRCh38, 1-based): chr16:2,084,440, C>G. VCF-style: chr16-2084440-C-G. GRCh37 (hg19) VCF-style: chr16-2134441-C-G.
Other names: c.4017C>G, p.Asp1339Glu (NM_001077183.3); c.4149C>G, p.Asp1383Glu (NM_001114382.3); c.3909C>G, p.Asp1303Glu (NM_001318827.2); c.3873C>G, p.Asp1291Glu (NM_001318829.2); c.3486C>G, p.Asp1162Glu (NM_001318831.2); c.4050C>G, p.Asp1350Glu (NM_001318832.2); c.4020C>G, p.Asp1340Glu (NM_001363528.2); c.4086C>G, p.Asp1362Glu (NM_001370404.1); and 26 more; short protein forms D1182E, D1333E, D1335E, D805E, D935E, D1139E, D1140E, D1186E.
Identifiers: ClinVar variation 3637235 (VCV003637235.2).

ClinVar aggregate classification (germline): Uncertain significance (1 of 4 stars; one submission).

Conditions:
Tuberous sclerosis 2 (TSC2). Identifiers: Orphanet 805, MedGen C1860707, MONDO:0013199, OMIM 613254.

Submission:

Labcorp Genetics (formerly Invitae), Labcorp
Classification: Uncertain significance for Tuberous sclerosis 2. Last evaluated: 2024-02-08. Review status: criteria provided, single submitter. Criteria: Invitae Variant Classification Sherloc (09022015). Collection method: clinical testing. Allele origin: germline.
Comment: This sequence change replaces aspartic acid, which is acidic and polar, with glutamic acid, which is acidic and polar, at codon 1406 of the TSC2 protein (p.Asp1406Glu). This variant is not present in population databases (gnomAD no frequency). This variant has not been reported in the literature in individuals affected with TSC2-related conditions. Advanced modeling of protein sequence and biophysical properties (such as structural, functional, and spatial information, amino acid conservation, physicochemical variation, residue mobility, and thermodynamic stability) performed at Invitae indicates that this missense variant is not expected to disrupt TSC2 protein function with a negative predictive value of 95%. RNA analysis performed to evaluate the impact of this missense change on mRNA splicing indicates it does not significantly alter splicing (Invitae). In summary, the available evidence is currently insufficient to determine the role of this variant in disease. Therefore, it has been classified as a Variant of Uncertain Significance.